The following is an entry in ClinVar:

ClinVar aggregate classification (germline): Pathogenic. Review status: criteria provided, multiple submitters, no conflicts (2 of 4 stars). 2 submissions from 2 submitters: Pathogenic (2). Last evaluated 2019-01-04.

Conditions:
Cardiac arrhythmia. Also called: Arrhythmia; Cardiac rhythm disease. Identifiers: MedGen C0003811, MONDO:0007263, HP:0011675.

Submissions (2):

Color Diagnostics, LLC DBA Color Health
Classification: Pathogenic for Cardiac arrhythmia. Last evaluated: 2019-01-04. Review status: criteria provided, single submitter. Criteria: ACMG Guidelines, 2015. Collection method: clinical testing. Allele origin: germline.
Comment: Pathogenic variant based on current evidence: This variant deletes 1 nucleotide in exon 12 of the KCNH2 gene, creating a frameshift and premature translation stop signal. This variant is expected to result in an absent or non-functional protein product. To our knowledge, functional assays have not been performed for this variant nor has this variant been reported in individuals affected with cardiovascular disorders in the literature. This variant is rare in the general population and has been identified in 0/277264 chromosomes by the Genome Aggregation Database (gnomAD). Loss of KCNH2 function is a known mechanism of disease. Based on available evidence, this variant is classified as Pathogenic.

GeneDx
Classification: Pathogenic. Last evaluated: 2017-02-10. Review status: criteria provided, single submitter. Criteria: GeneDx Variant Classification (06012015). Collection method: clinical testing. Allele origin: germline. Affected: yes.
Comment: The c.2892delC pathogenic variant in the KCNH2 gene has previously been reported in association with LQTS (Kapplinger et al., 2009). This variant causes a shift in reading frame starting at codon Glycine 965, changing it to a Glutamic acid, and creating a premature stop codon at position 9 of the new reading frame, denoted p.Gly965GlufsX9. This pathogenic variant is expected to result in either an abnormal, truncated protein product or loss of protein from this allele through nonsense-mediated mRNA decay. Other downstream frameshift variants in the KCNH2 gene have been reported in Human Gene Mutation Database in association with LQTS (Stenson et al., 2014), indicating that loss of function is a mechanism of disease for this gene. Furthermore, the c.2892delC variant has not been observed at a significant frequency in Exome Aggregation Consortium (ExAC) (Lek et al., 2016).

NM_000238.4(KCNH2):c.2892del (p.Gly965fs)

Gene: KCNH2 (potassium voltage-gated channel subfamily H member 2; minus strand). Cytogenetic location: 7q36.1.
Variant type: Deletion.
Coding change: c.2892del on transcript NM_000238.4 (MANE Select); coding-DNA position 2892, one base deleted (C; older notation c.2892delC).
Protein change: p.Gly965fs; shifts the reading frame from glycine 965.
Molecular consequence: frameshift variant.
Genome position (GRCh38, 1-based): chr7:150,947,679, G deleted on the plus strand (C on the coding strand, the reverse complement: KCNH2 is on the minus strand); the first of 6 consecutive G bases (chr7:150,947,679-150,947,684); deleting any one gives the same sequence. VCF-style (leftmost placement, unchanged base first): chr7-150947678-CG-C. GRCh37 (hg19) VCF-style: chr7-150644766-CG-C.
Other names: c.1872del, p.Gly625fs (NM_172057.3); short protein forms G965fs, G625fs.
Identifiers: ClinVar variation 418247 (VCV000418247.7), dbSNP rs794728462, ClinGen allele CA16618400.
Genomic context (GRCh38, chr7:150,947,678, plus strand): 5'-TGCAAGTGTCGCTGCTCTTCTCGCAGTCCTCCATCAGGGGCTCCCCACCCGGCGGCTCTC[CG>C]GGGGGCCTGGGGCTGGAGAAGGGCACCAGGCGGAGGGGGCTGGAGCTGCGGCCTGGGCCC-3'